The following is an entry in ClinVar:

ClinVar aggregate classification (germline): Uncertain significance (1 of 4 stars; one submission).

Conditions:
Hereditary cancer-predisposing syndrome. Also called: Hereditary Cancer Syndrome; Hereditary neoplastic syndrome; Neoplastic Syndromes, Hereditary; Tumor predisposition. Identifiers: Orphanet 140162, MedGen C0027672, MeSH D009386, MONDO:0015356.

gnomAD v4.1: 2 of 1,614,194 alleles (0.00012%); highest among the groups gnomAD compares: East Asian, 0.0022%; no homozygotes.

Submission:

Ambry Genetics
Classification: Uncertain significance for Hereditary cancer-predisposing syndrome. Last evaluated: 2026-07-13. Review status: criteria provided, single submitter. Criteria: Ambry Variant Classification Scheme 2023. Collection method: clinical testing. Allele origin: germline.
Comment: The p.L732P variant (also known as c.2195T>C), located in coding exon 14 of the PTCH1 gene, results from a T to C substitution at nucleotide position 2195. The leucine at codon 732 is replaced by proline, an amino acid with similar properties. This amino acid position is highly conserved in available vertebrate species. In addition, this alteration is predicted to be deleterious by in silico analysis. Based on the available evidence, the clinical significance of this variant remains unclear.

NM_000264.5(PTCH1):c.2195T>C (p.Leu732Pro)

Genes: PTCH1 (patched 1; minus strand), LOC100507346 (uncharacterized LOC100507346; plus strand). Cytogenetic location: 9q22.32.
Variant type: single nucleotide variant.
Coding change: c.2195T>C on transcript NM_000264.5 (MANE Select); coding-DNA position 2195, T replaced by C.
Protein change: p.Leu732Pro; replaces leucine 732 with proline.
Molecular consequence: missense variant. On other transcripts: non-coding transcript variant (2).
Genome position (GRCh38, 1-based): chr9:95,468,806, A>G on the plus strand (T>C on the coding strand, the complement: PTCH1 is on the minus strand). VCF-style: chr9-95468806-A-G. GRCh37 (hg19) VCF-style: chr9-98231088-A-G.
Other names: c.1997T>C, p.Leu666Pro (NM_001083602.3); c.2192T>C, p.Leu731Pro (NM_001083603.3); c.1742T>C, p.Leu581Pro (NM_001083604.3, NM_001083605.3, NM_001083606.3 and 1 more transcripts); c.2039T>C, p.Leu680Pro (NM_001354918.2); short protein forms L666P, L581P, L680P, L731P, L732P.
Identifiers: ClinVar variation 3939949 (VCV003939949.2).